The following is an entry in ClinVar:

NM_015259.6(ICOSLG):c.260C>A (p.Ser87Ter)

Gene: ICOSLG (inducible T cell costimulator ligand; minus strand). Cytogenetic location: 21q22.3.
Variant type: single nucleotide variant.
Coding change: c.260C>A on transcript NM_015259.6 (MANE Select); coding-DNA position 260, C replaced by A.
Protein change: p.Ser87Ter; replaces serine 87 with a stop codon.
Molecular consequence: nonsense. On other transcripts: intron variant (1).
Genome position (GRCh38, 1-based): chr21:44,237,013, G>T on the plus strand (C>A on the coding strand, the complement: ICOSLG is on the minus strand). VCF-style: chr21-44237013-G-T. GRCh37 (hg19) VCF-style: chr21-45656896-G-T.
Other names: c.260C>A, p.Ser87Ter (NM_001283050.2, NM_001395918.1); c.5C>A, p.Ser2Ter (NM_001283052.2); c.179C>A, p.Ser60Ter (NM_001365759.2); c.55+1435C>A (NM_001283051.2); short protein forms S2*, S60*, S87*.
Identifiers: ClinVar variation 3612471 (VCV003612471.2).

ClinVar aggregate classification (germline): Uncertain significance (1 of 4 stars; one submission).

Submission:

Labcorp Genetics (formerly Invitae), Labcorp
Classification: Uncertain significance. Last evaluated: 2024-08-23. Review status: criteria provided, single submitter. Criteria: Invitae Variant Classification Sherloc (09022015). Collection method: clinical testing. Allele origin: germline.
Comment: This sequence change creates a premature translational stop signal (p.Ser87*) in the ICOSLG gene. It is expected to result in an absent or disrupted protein product. However, the current clinical and genetic evidence is not sufficient to establish whether loss-of-function variants in ICOSLG cause disease. This variant is not present in population databases (gnomAD no frequency). This variant has not been reported in the literature in individuals affected with ICOSLG-related conditions. In summary, the available evidence is currently insufficient to determine the role of this variant in disease. Therefore, it has been classified as a Variant of Uncertain Significance.